The following is an entry in ClinVar:

ClinVar aggregate classification (germline): Pathogenic (1 of 4 stars; one submission).

Conditions:
ZNRF3-related disorder.

Submission:

Institute of Medical Genetics, University of Zurich
Classification: Pathogenic for ZNRF3-related disorder. Last evaluated: 2024-05-29. Review status: criteria provided, single submitter. Criteria: ACMG Guidelines, 2015. Collection method: research. Allele origin: germline. Affected: yes.
Comment: ACMG criteria applied: PS3 (Well-established in vitro or in vivo functional studies supportive of a damaging effect on the gene or gene product), PM1 (Located in a mutational hot spot and/or critical and well-established functional domain), PM6 (assumed de novo), PM2 (absent from controls), PP3 (in silico programs predict a deleterious effect)

NM_001206998.2(ZNRF3):c.920G>A (p.Arg307Gln)

Gene: ZNRF3 (zinc and ring finger 3; plus strand). Cytogenetic location: 22q12.1.
Variant type: single nucleotide variant.
Coding change: c.920G>A on transcript NM_001206998.2 (MANE Select); coding-DNA position 920, G replaced by A.
Protein change: p.Arg307Gln; replaces arginine 307 with glutamine.
Molecular consequence: missense variant.
Genome position (GRCh38, 1-based): chr22:29,048,396, G>A. VCF-style: chr22-29048396-G-A. GRCh37 (hg19) VCF-style: chr22-29444384-G-A.
Other names: c.620G>A, p.Arg207Gln (NM_032173.4); short protein forms R207Q, R307Q.
Identifiers: ClinVar variation 3238963 (VCV003238963.1), dbSNP rs2517591405.